The following is an entry in ClinVar:

ClinVar aggregate classification (germline): Benign (1 of 4 stars; one submission).

Conditions:
Autoimmune lymphoproliferative syndrome type 1. Also called: AUTOIMMUNE LYMPHOPROLIFERATIVE SYNDROME, TYPE I, AUTOSOMAL DOMINANT. Identifiers: Orphanet 3261, MedGen C2717884, MONDO:0011158, OMIM 601859.

Allele frequency attached by ClinVar (database versions not stated): TOPMed 0.00113; 1000 Genomes Project 0.00180; gnomAD 0.00162 and 0.00168; 1000 Genomes Project 30x 0.00172; gnomAD exomes 0.01709.
gnomAD v4.1: 257 of 152,572 alleles (0.17%); highest among the groups gnomAD compares: East Asian, 0.56%; 1 homozygote.

Submission:

Illumina Laboratory Services, Illumina
Classification: Benign for Autoimmune lymphoproliferative syndrome type 1. Last evaluated: 2018-01-13. Review status: criteria provided, single submitter. Criteria: ICSL Variant Classification Criteria 13 December 2019. Collection method: clinical testing. Allele origin: germline.
Comment: This variant was observed in the ICSL laboratory as part of a predisposition screen in an ostensibly healthy population. It had not been previously curated by ICSL or reported in the Human Gene Mutation Database (HGMD: prior to June 1st, 2018), and was therefore a candidate for classification through an automated scoring system. Utilizing variant allele frequency, disease prevalence and penetrance estimates, and inheritance mode, an automated score was calculated to assess if this variant is too frequent to cause the disease. Based on the score and internal cut-off values, a variant classified as benign is not then subjected to further curation. The score for this variant resulted in a classification of benign for this disease.

NM_000639.3(FASLG):c.*817A>G

Gene: FASLG (Fas ligand; plus strand). Cytogenetic location: 1q24.3.
Variant type: single nucleotide variant.
Coding change: c.*817A>G on transcript NM_000639.3 (MANE Select); 817 bases downstream of the stop codon, A replaced by G.
Molecular consequence: 3 prime UTR variant.
Genome position (GRCh38, 1-based): chr1:172,666,833, A>G. VCF-style: chr1-172666833-A-G. GRCh37 (hg19) VCF-style: chr1-172635973-A-G.
Other names: c.*1233A>G (NM_001302746.2).
Identifiers: ClinVar variation 293757 (VCV000293757.5), dbSNP rs45442301, ClinGen allele CA10608397.